The following is an entry in ClinVar:

ClinVar aggregate classification (germline): Uncertain significance. Review status: criteria provided, multiple submitters, no conflicts (2 of 4 stars). 3 submissions from 3 submitters: Uncertain significance (3). Last evaluated 2021-11-06.

Conditions:
Retinitis pigmentosa (RP). Identifiers: Orphanet 791, MedGen C0035334, MeSH D012174, MONDO:0019200, OMIM 268000. Inheritance: Autosomal dominant, autosomal recessive and X linked inheritance.

Allele frequency attached by ClinVar (database versions not stated): gnomAD exomes below 0.00001.
gnomAD v4.1: 1 of 1,614,200 alleles (0.000062%); highest among the groups gnomAD compares: Non-Finnish European, 0.000085%; no homozygotes.

Submissions (3):

Blueprint Genetics
Classification: Uncertain significance. Last evaluated: 2021-11-06. Review status: criteria provided, single submitter. Criteria: ACMG Guidelines, 2015. Collection method: clinical testing. Allele origin: germline.

Labcorp Genetics (formerly Invitae), Labcorp
Classification: Uncertain significance. Last evaluated: 2020-02-29. Review status: criteria provided, single submitter. Criteria: Invitae Variant Classification Sherloc (09022015). Collection method: clinical testing. Allele origin: germline.
Comment: This variant has not been reported in the literature in individuals with PDE6A-related conditions. In summary, the available evidence is currently insufficient to determine the role of this variant in disease. Therefore, it has been classified as a Variant of Uncertain Significance. Algorithms developed to predict the effect of missense changes on protein structure and function are either unavailable or do not agree on the potential impact of this missense change (SIFT: "Tolerated"; PolyPhen-2: "Probably Damaging"; Align-GVGD: "Class C0"). This variant is not present in population databases (ExAC no frequency). This sequence change replaces methionine with isoleucine at codon 592 of the PDE6A protein (p.Met592Ile). The methionine residue is highly conserved and there is a small physicochemical difference between methionine and isoleucine.

Illumina Laboratory Services, Illumina
Classification: Uncertain significance for Retinitis pigmentosa. Last evaluated: 2018-01-13. Review status: criteria provided, single submitter. Criteria: ICSL Variant Classification Criteria 13 December 2019. Collection method: clinical testing. Allele origin: germline.

NM_000440.3(PDE6A):c.1776G>A (p.Met592Ile)

Gene: PDE6A (phosphodiesterase 6A; minus strand). Cytogenetic location: 5q32.
Variant type: single nucleotide variant.
Coding change: c.1776G>A on transcript NM_000440.3 (MANE Select); coding-DNA position 1776, G replaced by A.
Protein change: p.Met592Ile; replaces methionine 592 with isoleucine.
Molecular consequence: missense variant.
Genome position (GRCh38, 1-based): chr5:149,886,327, C>T on the plus strand (G>A on the coding strand, the complement: PDE6A is on the minus strand). VCF-style: chr5-149886327-C-T. GRCh37 (hg19) VCF-style: chr5-149265890-C-T.
Other names: short protein forms M592I.
Identifiers: ClinVar variation 907856 (VCV000907856.14), dbSNP rs1752302695, ClinGen allele CA361693791.